The following is an entry in ClinVar:

ClinVar aggregate classification (germline): Conflicting classifications of pathogenicity. Review status: criteria provided, conflicting classifications (1 of 4 stars). 5 submissions from 5 submitters: Uncertain significance (3); Likely benign (2). Last evaluated 2025-04-29.

Conditions:
Hereditary cancer-predisposing syndrome. Also called: Hereditary Cancer Syndrome; Neoplastic Syndromes, Hereditary; Tumor predisposition; Hereditary neoplastic syndrome. Identifiers: Orphanet 140162, MedGen C0027672, MeSH D009386, MONDO:0015356.
Hereditary breast ovarian cancer syndrome. Also called: Hereditary breast and ovarian cancer; Hereditary breast and ovarian cancer syndrome; Breast and ovarian cancer; Hereditary breast and ovarian cancer syndrome (HBOC); Hereditary breast and/or ovarian cancer syndrome; BRCA1- and BRCA2-Associated Hereditary Breast and Ovarian Cancer. Identifiers: Orphanet 145, MedGen C0677776, MeSH D061325, MONDO:0003582. Disease mechanism: loss of function.
Breast-ovarian cancer, familial, susceptibility to, 2 (BROVCA2). Also called: BRCA2 Hereditary Breast and Ovarian Cancer. Identifiers: Orphanet 145, MedGen C2675520, MONDO:0012933, OMIM 612555. Disease mechanism: loss of function.

Allele frequency attached by ClinVar (database versions not stated): gnomAD exomes below 0.00001.
gnomAD v4.1: 1 of 1,614,104 alleles (0.000062%); highest among the groups gnomAD compares: Non-Finnish European, 0.000085%; no homozygotes.

Submissions (5):

Ambry Genetics
Classification: Likely benign for Hereditary cancer-predisposing syndrome. Last evaluated: 2025-04-29. Review status: criteria provided, single submitter. Criteria: Ambry Variant Classification Scheme 2023. Collection method: clinical testing. Allele origin: germline.

Labcorp Genetics (formerly Invitae), Labcorp
Classification: Uncertain significance for Hereditary breast ovarian cancer syndrome. Last evaluated: 2024-05-15. Review status: criteria provided, single submitter. Criteria: Invitae Variant Classification Sherloc (09022015). Collection method: clinical testing. Allele origin: germline.
Comment: This sequence change replaces cysteine, which is neutral and slightly polar, with tyrosine, which is neutral and polar, at codon 2535 of the BRCA2 protein (p.Cys2535Tyr). This variant is not present in population databases (gnomAD no frequency). This variant has not been reported in the literature in individuals affected with BRCA2-related conditions. ClinVar contains an entry for this variant (Variation ID: 187112). Advanced modeling of protein sequence and biophysical properties (such as structural, functional, and spatial information, amino acid conservation, physicochemical variation, residue mobility, and thermodynamic stability) performed at Invitae indicates that this missense variant is not expected to disrupt BRCA2 protein function with a negative predictive value of 95%. In summary, the available evidence is currently insufficient to determine the role of this variant in disease. Therefore, it has been classified as a Variant of Uncertain Significance.

Myriad Genetics, Inc.
Classification: Likely benign for Breast-ovarian cancer, familial, susceptibility to, 2. Last evaluated: 2024-03-27. Review status: criteria provided, single submitter. Criteria: Myriad Autosomal Dominant, Autosomal Recessive and X-Linked Classification Criteria (2023). Collection method: clinical testing. Allele origin: unknown.
Comment: This variant is considered likely benign. This variant is strongly associated with less severe personal and family histories of cancer, typical for individuals without pathogenic variants in this gene [PMID: 25085752].

Color Diagnostics, LLC DBA Color Health
Classification: Uncertain significance for Hereditary cancer-predisposing syndrome. Last evaluated: 2019-05-31. Review status: criteria provided, single submitter. Criteria: ACMG Guidelines, 2015. Collection method: clinical testing. Allele origin: germline.

Quest Diagnostics Nichols Institute San Juan Capistrano
Classification: Uncertain significance. Last evaluated: 2017-05-26. Review status: criteria provided, single submitter. Criteria: Quest Diagnostics criteria. Collection method: clinical testing. Allele origin: germline.

Literature cited by the submitters: PubMed 25085752 (cited by Myriad Genetics, Inc.).

NM_000059.4(BRCA2):c.7604G>A (p.Cys2535Tyr)

Gene: BRCA2 (BRCA2 DNA repair associated; plus strand). Cytogenetic location: 13q13.1.
Variant type: single nucleotide variant.
Coding change: c.7604G>A on transcript NM_000059.4 (MANE Select); coding-DNA position 7604, G replaced by A.
Protein change: p.Cys2535Tyr; replaces cysteine 2535 with tyrosine.
Molecular consequence: missense variant.
Genome position (GRCh38, 1-based): chr13:32,356,596, G>A. VCF-style: chr13-32356596-G-A. GRCh37 (hg19) VCF-style: chr13-32930733-G-A.
Other names: short protein forms C2535Y.
Identifiers: ClinVar variation 187112 (VCV000187112.17), dbSNP rs786203482, ClinGen allele CA025177.